The following is an entry in ClinVar:

ClinVar aggregate classification (germline): Uncertain significance (1 of 4 stars; one submission).

Conditions:
IFNGR2-related disorder. Also called: IFNGR2-related condition.

gnomAD v4.1: 62 of 1,548,006 alleles (0.004%); highest among the groups gnomAD compares: East Asian, 0.15%; no homozygotes.

Submission:

PreventionGenetics, part of Exact Sciences
Classification: Uncertain significance for IFNGR2-related condition. Last evaluated: 2025-01-15. Review status: criteria provided, single submitter. Criteria: ACMG Guidelines, 2015. Collection method: clinical testing. Allele origin: germline.
Comment: The IFNGR2 c.97C>T variant is predicted to result in premature protein termination (p.Gln33*). Of note, on the more commonly reported IFNGR2 transcript NM_005534 this variant is a deep intronic variant (c.74-4030C>T) that is not predicted to impact splicing. To our knowledge, this variant has not been reported in the literature. This variant is reported in 0.0093% of alleles in individuals of East Asian descent in gnomAD. At this time, the clinical significance of this variant is uncertain due to the absence of conclusive functional and genetic evidence.

NM_005534.4(IFNGR2):c.74-4029C>T

Gene: IFNGR2 (interferon gamma receptor 2; plus strand). Cytogenetic location: 21q22.11.
Variant type: single nucleotide variant.
Coding change: c.74-4029C>T on transcript NM_005534.4 (MANE Select); 4029 bases into the intron before coding-DNA position 74, C replaced by T.
Molecular consequence: intron variant. On other transcripts: nonsense (1).
Genome position (GRCh38, 1-based): chr21:33,410,859, C>T. VCF-style: chr21-33410859-C-T. GRCh37 (hg19) VCF-style: chr21-34783165-C-T.
Other names: c.97C>T, p.Gln33Ter (NM_001329128.2); short protein forms Q33*.
Identifiers: ClinVar variation 4979130 (VCV004979130.1).